The following is an entry in ClinVar:

ClinVar aggregate classification (germline): Benign/Likely benign. Review status: criteria provided, multiple submitters, no conflicts (2 of 4 stars). 5 submissions from 5 submitters: Benign (1); Likely benign (3). 1 of the submissions does not count toward it. Last evaluated 2025-03-17.

Conditions:
ANKRD11-related disorder. Also called: ANKRD11-related condition.
KBG syndrome (KBGS). Also called: ANKRD11-Related KBG Syndrome. Identifiers: Orphanet 2332, MedGen C0220687, MONDO:0007846, OMIM 148050.

Allele frequency attached by ClinVar (database versions not stated): gnomAD exomes 0.00022 and 0.00047; ExAC 0.00038.
gnomAD v4.1: 376 of 1,577,634 alleles (0.024%); highest among the groups gnomAD compares: Non-Finnish European, 0.0031%; 3 homozygotes.

Submissions (5):

Labcorp Genetics (formerly Invitae), Labcorp
Classification: Benign for KBG syndrome. Last evaluated: 2025-03-17. Review status: criteria provided, single submitter. Criteria: Invitae Variant Classification Sherloc (09022015). Collection method: clinical testing. Allele origin: germline.

Blueprint Genetics
Classification: Likely benign. Last evaluated: 2024-10-11. Review status: criteria provided, single submitter. Criteria: ACMG Guidelines, 2015. Collection method: clinical testing. Allele origin: germline.

CeGaT Center for Human Genetics Tuebingen
Classification: Likely benign. Last evaluated: 2022-11-01. Review status: criteria provided, single submitter. Criteria: CeGaT Center For Human Genetics Tuebingen Variant Classification Criteria Version 2. Collection method: clinical testing. Allele origin: germline. Affected: yes. Observed: 2 variant alleles.
Comment: ANKRD11: BP4, BP7, BS1

GeneDx
Classification: Likely benign. Last evaluated: 2020-06-15. Review status: criteria provided, single submitter. Criteria: GeneDx Variant Classification Process June 2021. Collection method: clinical testing. Allele origin: germline. Affected: yes.

PreventionGenetics, part of Exact Sciences
Classification: Benign for ANKRD11-related condition. Last evaluated: 2019-08-02. Review status: no assertion criteria provided. Collection method: clinical testing. Allele origin: germline. Not counted in ClinVar's aggregate classification.
Comment: This variant is classified as benign based on ACMG/AMP sequence variant interpretation guidelines (Richards et al. 2015 PMID: 25741868, with internal and published modifications).

NM_013275.6(ANKRD11):c.6201C>T (p.Ser2067=)

Gene: ANKRD11 (ankyrin repeat domain 11; minus strand). Cytogenetic location: 16q24.3.
Variant type: single nucleotide variant.
Coding change: c.6201C>T on transcript NM_013275.6 (MANE Select); coding-DNA position 6201, C replaced by T.
Protein change: p.Ser2067=; no amino-acid change (serine 2067 retained).
Molecular consequence: synonymous variant.
Genome position (GRCh38, 1-based): chr16:89,280,341, G>A on the plus strand (C>T on the coding strand, the complement: ANKRD11 is on the minus strand). VCF-style: chr16-89280341-G-A. GRCh37 (hg19) VCF-style: chr16-89346749-G-A.
Other names: c.6201C>T, p.Ser2067= (NM_001256182.2, NM_001256183.2).
Identifiers: ClinVar variation 1191320 (VCV001191320.33), dbSNP rs753589168, ClinGen allele CA8241537.